The following is an entry in ClinVar:

ClinVar aggregate classification (germline): Uncertain significance. Review status: criteria provided, multiple submitters, no conflicts (2 of 4 stars). 2 submissions from 2 submitters: Uncertain significance (2). Last evaluated 2024-09-26.

Conditions:
KBG syndrome (KBGS). Also called: ANKRD11-Related KBG Syndrome. Identifiers: Orphanet 2332, MedGen C0220687, MONDO:0007846, OMIM 148050.

Allele frequency attached by ClinVar (database versions not stated): gnomAD exomes below 0.00001; TOPMed below 0.00001; gnomAD 0.00001.

Submissions (2):

Revvity Omics, Revvity
Classification: Uncertain significance for KBG syndrome. Last evaluated: 2024-09-26. Review status: criteria provided, single submitter. Criteria: ACMG Guidelines, 2015. Collection method: clinical testing. Allele origin: germline.

GeneDx
Classification: Uncertain significance. Last evaluated: 2020-07-15. Review status: criteria provided, single submitter. Criteria: GeneDx Variant Classification Process June 2021. Collection method: clinical testing. Allele origin: germline. Affected: yes.
Comment: Not observed in large population cohorts (Lek et al., 2016); In silico analysis supports that this missense variant does not alter protein structure/function; Has not been previously published as pathogenic or benign to our knowledge

NM_013275.6(ANKRD11):c.4955A>G (p.Lys1652Arg)

Gene: ANKRD11 (ankyrin repeat domain 11; minus strand). Cytogenetic location: 16q24.3.
Variant type: single nucleotide variant.
Coding change: c.4955A>G on transcript NM_013275.6 (MANE Select); coding-DNA position 4955, A replaced by G.
Protein change: p.Lys1652Arg; replaces lysine 1652 with arginine.
Molecular consequence: missense variant.
Genome position (GRCh38, 1-based): chr16:89,281,587, T>C on the plus strand (A>G on the coding strand, the complement: ANKRD11 is on the minus strand). VCF-style: chr16-89281587-T-C. GRCh37 (hg19) VCF-style: chr16-89347995-T-C.
Other names: c.4955A>G, p.Lys1652Arg (NM_001256182.2, NM_001256183.2); short protein forms K1652R.
Identifiers: ClinVar variation 1313102 (VCV001313102.3), dbSNP rs769983484, ClinGen allele CA286515172.